The following is an entry in ClinVar:

NM_130468.4(CHST14):c.523A>G (p.Ser175Gly)

Gene: CHST14 (carbohydrate sulfotransferase 14; plus strand). Cytogenetic location: 15q15.1.
Variant type: single nucleotide variant.
Coding change: c.523A>G on transcript NM_130468.4 (MANE Select); coding-DNA position 523, A replaced by G.
Protein change: p.Ser175Gly; replaces serine 175 with glycine.
Molecular consequence: missense variant.
Genome position (GRCh38, 1-based): chr15:40,471,736, A>G. VCF-style: chr15-40471736-A-G. GRCh37 (hg19) VCF-style: chr15-40763935-A-G.
Other names: short protein forms S175G.
Identifiers: ClinVar variation 3492645 (VCV003492645.1).

ClinVar aggregate classification (germline): Uncertain significance (1 of 4 stars; one submission).

Conditions:
Cardiovascular phenotype. Identifiers: MedGen CN230736.

gnomAD v4.1: 1 of 1,613,504 alleles (0.000062%); highest among the groups gnomAD compares: Non-Finnish European, 0.000085%; no homozygotes.

Submission:

Ambry Genetics
Classification: Uncertain significance for Cardiovascular phenotype. Last evaluated: 2024-10-21. Review status: criteria provided, single submitter. Criteria: Ambry Variant Classification Scheme 2023. Collection method: clinical testing. Allele origin: germline.
Comment: The p.S175G variant (also known as c.523A>G), located in coding exon 1 of the CHST14 gene, results from an A to G substitution at nucleotide position 523. The serine at codon 175 is replaced by glycine, an amino acid with similar properties. This amino acid position is conserved. In addition, this alteration is predicted to be tolerated by in silico analysis. Based on the available evidence, the clinical significance of this variant remains unclear.